The following is an entry in ClinVar:

NM_006915.3(RP2):c.*2156A>G

Gene: RP2 (RP2 activator of ARL3 GTPase; plus strand). Cytogenetic location: Xp11.3.
Variant type: single nucleotide variant.
Coding change: c.*2156A>G on transcript NM_006915.3 (MANE Select); 2156 bases downstream of the stop codon, A replaced by G.
Molecular consequence: 3 prime UTR variant.
Genome position (GRCh38, 1-based): chrX:46,881,925, A>G. VCF-style: chrX-46881925-A-G. GRCh37 (hg19) VCF-style: chrX-46741360-A-G.
Identifiers: ClinVar variation 368325 (VCV000368325.5), dbSNP rs141748740, ClinGen allele CA10654325.

ClinVar aggregate classification (germline): Benign (1 of 4 stars; one submission).

Conditions:
Retinitis pigmentosa (RP). Identifiers: Orphanet 791, MedGen C0035334, MeSH D012174, MONDO:0019200, OMIM 268000. Inheritance: Autosomal dominant, autosomal recessive and X linked inheritance.

Allele frequency attached by ClinVar (database versions not stated): gnomAD 0.00066 and 0.00085; TOPMed 0.00087; 1000 Genomes Project 30x 0.00437; 1000 Genomes Project 0.00477.

Submission:

Illumina Laboratory Services, Illumina
Classification: Benign for Retinitis pigmentosa. Last evaluated: 2018-01-12. Review status: criteria provided, single submitter. Criteria: ICSL Variant Classification Criteria 13 December 2019. Collection method: clinical testing. Allele origin: germline.
Comment: This variant was observed in the ICSL laboratory as part of a predisposition screen in an ostensibly healthy population. It had not been previously curated by ICSL or reported in the Human Gene Mutation Database (HGMD: prior to June 1st, 2018), and was therefore a candidate for classification through an automated scoring system. Utilizing variant allele frequency, disease prevalence and penetrance estimates, and inheritance mode, an automated score was calculated to assess if this variant is too frequent to cause the disease. Based on the score and internal cut-off values, a variant classified as benign is not then subjected to further curation. The score for this variant resulted in a classification of benign for this disease.